The following is an entry in ClinVar:

NM_000553.6(WRN):c.1156A>C (p.Asn386His)

Gene: WRN (WRN RecQ like helicase; plus strand). Cytogenetic location: 8p12.
Variant type: single nucleotide variant.
Coding change: c.1156A>C on transcript NM_000553.6 (MANE Select); coding-DNA position 1156, A replaced by C.
Protein change: p.Asn386His; replaces asparagine 386 with histidine.
Molecular consequence: missense variant.
Genome position (GRCh38, 1-based): chr8:31,081,183, A>C. VCF-style: chr8-31081183-A-C. GRCh37 (hg19) VCF-style: chr8-30938699-A-C.
Other names: short protein forms N386H.
Identifiers: ClinVar variation 1518265 (VCV001518265.6), dbSNP rs2130120492, ClinGen allele CA370921006.

ClinVar aggregate classification (germline): Uncertain significance (1 of 4 stars; one submission).

Conditions:
Werner syndrome (WRN). Identifiers: Orphanet 902, MedGen C0043119, MONDO:0010196, OMIM 277700.

Submission:

Labcorp Genetics (formerly Invitae), Labcorp
Classification: Uncertain significance for Werner syndrome. Last evaluated: 2022-02-20. Review status: criteria provided, single submitter. Criteria: Invitae Variant Classification Sherloc (09022015). Collection method: clinical testing. Allele origin: germline.
Comment: In summary, the available evidence is currently insufficient to determine the role of this variant in disease. Therefore, it has been classified as a Variant of Uncertain Significance. Algorithms developed to predict the effect of missense changes on protein structure and function are either unavailable or do not agree on the potential impact of this missense change (SIFT: "Not Available"; PolyPhen-2: "Possibly Damaging"; Align-GVGD: "Not Available"). This variant has not been reported in the literature in individuals affected with WRN-related conditions. This variant is not present in population databases (gnomAD no frequency). This sequence change replaces asparagine with histidine at codon 386 of the WRN protein (p.Asn386His). The asparagine residue is weakly conserved and there is a small physicochemical difference between asparagine and histidine.